The following is an entry in ClinVar:

NM_024649.5(BBS1):c.1110G>A (p.Pro370=)

Genes: BBS1 (Bardet-Biedl syndrome 1; plus strand), ZDHHC24 (zDHHC palmitoyltransferase 24; minus strand). Cytogenetic location: 11q13.2.
Variant type: single nucleotide variant.
Coding change: c.1110G>A on transcript NM_024649.5 (MANE Select); coding-DNA position 1110, G replaced by A.
Protein change: p.Pro370=; no amino-acid change (proline 370 retained).
Molecular consequence: synonymous variant. On other transcripts: intron variant (1).
Genome position (GRCh38, 1-based): chr11:66,523,882, G>A. VCF-style: chr11-66523882-G-A. GRCh37 (hg19) VCF-style: chr11-66291353-G-A.
Other names: c.*22-2416C>T (NM_001348571.2).
Identifiers: ClinVar variation 553357 (VCV000553357.19), dbSNP rs183771956, ClinGen allele CA6123610.
Genomic context (GRCh38, chr11:66,523,882, plus strand): 5'-GGCCAATGGAGAGGTCCGCATTTATCGTGACAAGGCCCTGCTCAATGTCATCCACACCCC[G>A]GTGAGCCCCATCTCCGGCATCTGCCACTCACTCCTCCTTGCCCTCGTCTCACCTCTGGGG-3'
Protein context (NP_078925.3, residues 360-380): DKALLNVIHT[Pro370=]DAVTSLCFGR

ClinVar aggregate classification (germline): Pathogenic/Likely pathogenic. Review status: criteria provided, multiple submitters, no conflicts (2 of 4 stars). 9 submissions from 9 submitters: Pathogenic (1); Likely pathogenic (6). 2 of the submissions do not count toward it. Last evaluated 2025-11-13.

Conditions:
BBS1-related disorder. Also called: BBS1-related condition.
Bardet-Biedl syndrome 1 (BBS1). Identifiers: MedGen C2936862, MONDO:0008854, OMIM 209900. Disease mechanism: loss of function.
Bardet-Biedl syndrome (BBS). Identifiers: Orphanet 110, MedGen C0752166, MONDO:0015229.

Allele frequency attached by ClinVar (database versions not stated): TOPMed 0.00002; gnomAD 0.00003 and 0.00002; 1000 Genomes Project 0.00040; 1000 Genomes Project 30x 0.00031.
gnomAD v4.1: 15 of 1,612,874 alleles (0.00093%); highest among the groups gnomAD compares: African/African-American, 0.0027%; no homozygotes.

Submissions (9):

Myriad Genetics, Inc.
Classification: Likely pathogenic for Bardet-Biedl syndrome 1. Last evaluated: 2025-11-13. Review status: criteria provided, single submitter. Criteria: Myriad Autosomal Dominant, Autosomal Recessive and X-Linked Classification Criteria (2023). Collection method: clinical testing. Allele origin: unknown.
Comment: NM_024649.4(BBS1):c.1110G>A(P370=) is a silent variant classified as likely pathogenic in the context of Bardet-Biedl syndrome, BBS1-related. P370= has been observed in cases with relevant disease (PMID: 16877420, 22773737, 23432027, 28341476, 31836858). Relevant functional assessments of this variant are not available in the literature. P370= has been observed in referenced population frequency databases. In summary, NM_024649.4(BBS1):c.1110G>A(P370=) is a silent variant that has been observed more frequently in cases with the relevant disease than in healthy populations. Please note: this variant was assessed in the context of healthy population screening.

Natera, Inc.
Classification: Likely pathogenic for Bardet-Biedl syndrome type 1. Last evaluated: 2025-09-14. Review status: criteria provided, single submitter. Criteria: Natera Variant Classification Schema (03/2026). Collection method: clinical testing. Allele origin: germline.
Comment: The c.1110G>A variant in BBS1 is a synonymous variant that does not alter the encoded amino acid at position 370 (p.P370=). This variant is rare in the general population with a frequency below the threshold expected for the associated phenotype(s). This variant has been observed in one or more individuals affected with the associated recessive disease, as either homozygous or compound heterozygous with a second variant (PMID: 23432027, 31836858). This variant has been observed to segregate in affected family members (PMID: 23432027). Computational prediction algorithms indicate this variant is likely to affect gene or protein function. Given the available evidence, this variant is classified as Likely Pathogenic.

Women's Health and Genetics/Laboratory Corporation of America, LabCorp
Classification: Likely pathogenic for Bardet-Biedl syndrome. Last evaluated: 2025-06-11. Review status: criteria provided, single submitter. Criteria: LabCorp Variant Classification Summary - May 2015. Collection method: clinical testing. Allele origin: germline.
Comment: Variant summary: BBS1 c.1110G>A (p.Pro370Pro) alters a conserved nucleotide located close to a canonical splice site and therefore could affect mRNA splicing, leading to a significantly altered protein sequence. Several computational tools predict a significant impact on normal splicing: One predicts the variant abolishes a 5' splicing donor site. Three predict the variant weakens a 5' donor site. Three predict the variant creates a 3' acceptor site. However, these predictions have yet to be confirmed by functional studies. The variant allele was found at a frequency of 1.2e-05 in 249712 control chromosomes (gnomAD). c.1110G>A has been observed in individuals affected with Bardet-Biedl Syndrome (Smaoui_2006, Redin_2012, Mhamdi_2013, internal data). These data indicate that the variant is likely to be associated with disease. To our knowledge, no experimental evidence demonstrating an impact on protein function has been reported. The following publications have been ascertained in the context of this evaluation (PMID: 31836858, 23432027, 22773737, 16877420, 28341476). ClinVar contains an entry for this variant (Variation ID: 553357). Based on the evidence outlined above, the variant was classified as likely pathogenic.

Labcorp Genetics (formerly Invitae), Labcorp
Classification: Likely pathogenic for Bardet-Biedl syndrome. Last evaluated: 2024-12-04. Review status: criteria provided, single submitter. Criteria: Invitae Variant Classification Sherloc (09022015). Collection method: clinical testing. Allele origin: germline.
Comment: This sequence change affects codon 370 of the BBS1 mRNA. It is a 'silent' change, meaning that it does not change the encoded amino acid sequence of the BBS1 protein. This variant also falls at the last nucleotide of exon 11, which is part of the consensus splice site for this exon. The frequency data for this variant in the population databases is considered unreliable, as metrics indicate poor data quality at this position in the gnomAD database. This variant has been observed in individuals with BBS1-related conditions (PMID: 16877420, 23432027; internal data). It has also been observed to segregate with disease in related individuals. ClinVar contains an entry for this variant (Variation ID: 553357). Variants that disrupt the consensus splice site are a relatively common cause of aberrant splicing (PMID: 17576681, 9536098). Algorithms developed to predict the effect of sequence changes on RNA splicing suggest that this variant may disrupt the consensus splice site. In summary, the currently available evidence indicates that the variant is pathogenic, but additional data are needed to prove that conclusively. Therefore, this variant has been classified as Likely Pathogenic.

Blueprint Genetics
Classification: Likely pathogenic for BBS1-related disorders. Last evaluated: 2023-12-22. Review status: criteria provided, single submitter. Criteria: ACMG Guidelines, 2015. Collection method: clinical testing. Allele origin: germline. Affected: yes. Observed: 1 variant allele.

GeneDx
Classification: Likely pathogenic. Last evaluated: 2022-12-06. Review status: criteria provided, single submitter. Criteria: GeneDx Variant Classification Process June 2021. Collection method: clinical testing. Allele origin: germline. Affected: yes.
Comment: This variant is associated with the following publications: (PMID: 16877420, 23432027, 22773737)

Centre for Genomic Medicine, Manchester, Central Manchester University Hospitals
Classification: Pathogenic for Bardet-Biedl syndrome 1. Last evaluated: 2019-02-01. Review status: criteria provided, single submitter. Criteria: ACMG Guidelines, 2015. Collection method: clinical testing. Allele origin: germline. Affected: yes. Observed: 1 variant allele, 1 homozygote.

PreventionGenetics, part of Exact Sciences
Classification: Uncertain significance for BBS1-related condition. Last evaluated: 2024-03-14. Review status: no assertion criteria provided. Collection method: clinical testing. Allele origin: germline. Not counted in ClinVar's aggregate classification.
Comment: The BBS1 c.1110G>A variant is not predicted to result in an amino acid change (p.=). This variant occurs at the last nucleotide of exon 11 and is predicted to alter splicing based on available splicing prediction programs (SpliceAI, Jaganathan et al. 2019. PubMed ID: 30661751). However, the use of computer prediction programs is not equivalent to functional evidence. This variant has been reported in the homozygous state in at least one individual of Tunisian ancestry with Bardet-Biedl syndrome; however, no additional evidence was provided to support its pathogenicity (Table 2, Smaoui et al. 2006. PubMed ID: 16877420; Table 3, Redin et al. 2012. PubMed ID: 22773737; Table 2, M'hamdi et al. 2014. PubMed ID: 23432027). This variant is reported in 0.0050% of alleles in individuals of East Asian descent in gnomAD. At this time, the clinical significance of this variant is uncertain due to the absence of conclusive functional and genetic evidence.

Counsyl
Classification: Uncertain significance for Bardet-Biedl syndrome 1. Last evaluated: 2017-08-16. Review status: no assertion criteria provided. Collection method: clinical testing. Allele origin: unknown. Not counted in ClinVar's aggregate classification.

Literature cited by the submitters: PubMed 16877420 (cited by 4 submitters); PubMed 22773737 (cited by Myriad Genetics, Inc. and Women's Health and Genetics/Laboratory Corporation of America, LabCorp); PubMed 23432027 (cited by 5 submitters); PubMed 28341476 (cited by Myriad Genetics, Inc. and Women's Health and Genetics/Laboratory Corporation of America, LabCorp); PubMed 31836858 (cited by 3 submitters); PubMed 17576681 (cited by Labcorp Genetics (formerly Invitae), Labcorp); PubMed 9536098 (cited by Labcorp Genetics (formerly Invitae), Labcorp).